The following is an entry in ClinVar:

ClinVar aggregate classification (germline): Uncertain significance (1 of 4 stars; one submission).

Submission:

Labcorp Genetics (formerly Invitae), Labcorp
Classification: Uncertain significance. Last evaluated: 2023-04-12. Review status: criteria provided, single submitter. Criteria: Invitae Variant Classification Sherloc (09022015). Collection method: clinical testing. Allele origin: germline.
Comment: In summary, the available evidence is currently insufficient to determine the role of this variant in disease. Therefore, it has been classified as a Variant of Uncertain Significance. Algorithms developed to predict the effect of sequence changes on RNA splicing suggest that this variant may disrupt the consensus splice site. This variant has not been reported in the literature in individuals affected with RASA2-related conditions. This variant is not present in population databases (gnomAD no frequency). This sequence change affects an acceptor splice site in intron 8 of the RASA2 gene. It is expected to disrupt RNA splicing. Variants that disrupt the donor or acceptor splice site typically lead to a loss of protein function (PMID: 16199547), however the current clinical and genetic evidence is not sufficient to establish whether loss-of-function variants in RASA2 cause disease.

Literature cited by the submitters: PubMed 16199547.

NM_006506.5(RASA2):c.762-2A>G

Gene: RASA2 (RAS p21 protein activator 2; plus strand). Cytogenetic location: 3q23.
Variant type: single nucleotide variant.
Coding change: c.762-2A>G on transcript NM_006506.5 (MANE Select); the canonical splice acceptor site of the intron before coding-DNA position 762, A replaced by G.
Molecular consequence: splice acceptor variant.
Genome position (GRCh38, 1-based): chr3:141,559,892, A>G. VCF-style: chr3-141559892-A-G. GRCh37 (hg19) VCF-style: chr3-141278734-A-G.
Other names: c.762-2A>G (NM_001303245.3, NM_001303246.3).
Identifiers: ClinVar variation 2966154 (VCV002966154.3), dbSNP rs2478660215, ClinGen allele CA354772968.
Genomic context (GRCh38, chr3:141,559,892, plus strand): 5'-TTTGTGGTGTGAACTCTCTTAAACATTGTTTGCAAAACATAAAGCCAGTTTTCAATTTTC[A>G]GGATCGACTTGTGGAACAATGGAAACCTAGTCCAAGATGTTTTCCTAGGTGAGATTAAGG-3'